The following is an entry in ClinVar:

NM_022042.4(SLC26A1):c.367G>A (p.Val123Met)

Genes: IDUA (alpha-L-iduronidase; plus strand), SLC26A1 (solute carrier family 26 member 1; minus strand). Cytogenetic location: 4p16.3.
Variant type: single nucleotide variant.
Coding change: c.367G>A on transcript NM_022042.4 (MANE Select); coding-DNA position 367, G replaced by A.
Protein change: p.Val123Met; replaces valine 123 with methionine.
Molecular consequence: missense variant. On other transcripts: intron variant (1).
Genome position (GRCh38, 1-based): chr4:991,337, C>T on the plus strand (G>A on the coding strand, the complement: SLC26A1 is on the minus strand). VCF-style: chr4-991337-C-T. GRCh37 (hg19) VCF-style: chr4-985125-C-T.
Other names: p.Val123Met; c.367G>A, p.Val123Met (NM_134425.4, NM_213613.4); c.299+3388C>T (NM_000203.5); c.367G>A (NM_213613.2); short protein forms V123M.
Identifiers: ClinVar variation 1516655 (VCV001516655.8), dbSNP rs374220162, ClinGen allele CA2801687.

ClinVar aggregate classification (germline): Uncertain significance. Review status: criteria provided, multiple submitters, no conflicts (2 of 4 stars). 3 submissions from 3 submitters: Uncertain significance (3). Last evaluated 2025-12-06.

Conditions:
Inborn genetic diseases. Identifiers: MedGen C0950123, MeSH D030342.

Allele frequency attached by ClinVar (database versions not stated): gnomAD exomes 0.00002 and 0.00003; ExAC 0.00004; TOPMed 0.00004; gnomAD 0.00005 and 0.00006; ESP Exome Variant Server 0.00008.
gnomAD v4.1: 42 of 1,612,730 alleles (0.0026%); highest among the groups gnomAD compares: African/African-American, 0.011%; no homozygotes.

Submissions (3):

Mayo Clinic Laboratories, Mayo Clinic
Classification: Uncertain significance. Last evaluated: 2025-12-06. Review status: criteria provided, single submitter. Criteria: ACMG Guidelines, 2015. Collection method: clinical testing. Allele origin: germline. Observed: 1 variant allele.
Comment: PP3

Ambry Genetics
Classification: Uncertain significance for Inborn genetic diseases. Last evaluated: 2025-07-15. Review status: criteria provided, single submitter. Criteria: Ambry Variant Classification Scheme 2023. Collection method: clinical testing. Allele origin: germline.

Labcorp Genetics (formerly Invitae), Labcorp
Classification: Uncertain significance. Last evaluated: 2021-09-04. Review status: criteria provided, single submitter. Criteria: Invitae Variant Classification Sherloc (09022015). Collection method: clinical testing. Allele origin: germline.
Comment: This sequence change replaces valine with methionine at codon 123 of the SLC26A1 protein (p.Val123Met). The valine residue is highly conserved and there is a small physicochemical difference between valine and methionine. This variant is present in population databases (rs374220162, ExAC 0.02%). This variant has not been reported in the literature in individuals affected with SLC26A1-related conditions. Algorithms developed to predict the effect of missense changes on protein structure and function are either unavailable or do not agree on the potential impact of this missense change (SIFT: "Deleterious"; PolyPhen-2: "Probably Damaging"; Align-GVGD: "Class C0"). In summary, the available evidence is currently insufficient to determine the role of this variant in disease. Therefore, it has been classified as a Variant of Uncertain Significance.